The following is an entry in ClinVar:

NM_021098.3(CACNA1H):c.1059C>T (p.Asn353=)

Gene: CACNA1H (calcium voltage-gated channel subunit alpha1 H; plus strand). Cytogenetic location: 16p13.3.
Variant type: single nucleotide variant.
Coding change: c.1059C>T on transcript NM_021098.3 (MANE Select); coding-DNA position 1059, C replaced by T.
Protein change: p.Asn353=; no amino-acid change (asparagine 353 retained).
Molecular consequence: synonymous variant.
Genome position (GRCh38, 1-based): chr16:1,200,511, C>T. VCF-style: chr16-1200511-C-T. GRCh37 (hg19) VCF-style: chr16-1250511-C-T.
Other names: p.Asn353=; c.1059C>T, p.Asn353= (NM_001005407.2).
Identifiers: ClinVar variation 529634 (VCV000529634.18), dbSNP rs59310656, ClinGen allele CA7799763.

ClinVar aggregate classification (germline): Benign/Likely benign. Review status: criteria provided, multiple submitters, no conflicts (2 of 4 stars). 6 submissions from 6 submitters: Benign (2); Likely benign (3). 1 of the submissions does not count toward it. Last evaluated 2025-11-17.

Conditions:
CACNA1H-related disorder.
Epilepsy, childhood absence, susceptibility to, 6. Identifiers: Orphanet 64280, MedGen C2749872, MONDO:0012763, OMIM 611942.
Hyperaldosteronism, familial, type IV (HALD4). Also called: FH IV; ALDOSTERONISM, PRIMARY, AND HYPERTENSION. Identifiers: Orphanet 642671, MedGen C4310756, MONDO:0014875, OMIM 617027.
Idiopathic generalized epilepsy. Also called: Generalised epilepsy; EIG. Identifiers: MedGen C0270850, MONDO:0005579, OMIM 600669.

Allele frequency attached by ClinVar (database versions not stated): ExAC 0.00028; 1000 Genomes Project 0.00060; 1000 Genomes Project 30x 0.00062; gnomAD exomes 0.00022; ESP Exome Variant Server 0.00102; gnomAD 0.00110 and 0.00117; TOPMed 0.00125.
gnomAD v4.1: 324 of 1,612,324 alleles (0.02%); highest among the groups gnomAD compares: African/African-American, 0.37%; 1 homozygote.

Submissions (6):

Labcorp Genetics (formerly Invitae), Labcorp
Classification: Benign for Idiopathic generalized epilepsy; Hyperaldosteronism, familial, type IV. Last evaluated: 2025-11-17. Review status: criteria provided, single submitter. Criteria: Invitae Variant Classification Sherloc (09022015). Collection method: clinical testing. Allele origin: germline.

Mayo Clinic Laboratories, Mayo Clinic
Classification: Likely benign. Last evaluated: 2025-07-25. Review status: criteria provided, single submitter. Criteria: ACMG Guidelines, 2015. Collection method: clinical testing. Allele origin: germline. Observed: 1 variant allele.
Comment: BP4, BP7

Blueprint Genetics
Classification: Likely benign. Last evaluated: 2023-10-13. Review status: criteria provided, single submitter. Criteria: ACMG Guidelines, 2015. Collection method: clinical testing. Allele origin: germline.

Fulgent Genetics
Classification: Likely benign for Epilepsy, childhood absence, susceptibility to, 6; Hyperaldosteronism, familial, type IV. Last evaluated: 2021-10-01. Review status: criteria provided, single submitter. Criteria: ACMG Guidelines, 2015. Collection method: clinical testing. Allele origin: unknown.

Athena Diagnostics
Classification: Benign. Last evaluated: 2018-11-20. Review status: criteria provided, single submitter. Criteria: Athena Diagnostics Criteria. Collection method: clinical testing. Allele origin: germline.

PreventionGenetics, part of Exact Sciences
Classification: Likely benign for CACNA1H-related condition. Last evaluated: 2023-05-08. Review status: no assertion criteria provided. Collection method: clinical testing. Allele origin: germline. Not counted in ClinVar's aggregate classification.
Comment: This variant is classified as likely benign based on ACMG/AMP sequence variant interpretation guidelines (Richards et al. 2015 PMID: 25741868, with internal and published modifications).